The following is an entry in ClinVar:

ClinVar aggregate classification (germline): Pathogenic (1 of 4 stars; one submission).

Submission:

GeneDx
Classification: Pathogenic. Last evaluated: 2012-10-15. Review status: criteria provided, single submitter. Criteria: GeneDx Variant Classification (06012015). Collection method: clinical testing. Allele origin: germline. Affected: yes.
Comment: This variant has not been published as a mutation, nor has it been reported as a benign polymorphism to our knowledge. The NHLBI ESP Exome Variant Project has not identified Gly25Arg in approximately 6,500 individuals of European or African American ethnicity, indicating that it is not a common benign variant in these populations. This amino acid substitution is non-conservative, as an uncharged, non-polar Glycine residue is replaced by a positively charged Arginine residue. Gly25Arg alters a highly conserved position in the ATP-binding domain of the protein, and multiple in silico algorithms predict it is damaging to protein structure/function. Additionally, the variant has been observed as a mosaic and de novo with validated parentage. The variant is found in EPILEPSY panel(s).

NM_001323289.2(CDKL5):c.73G>A (p.Gly25Arg)

Gene: CDKL5 (cyclin dependent kinase like 5; plus strand). Cytogenetic location: Xp22.13.
Variant type: single nucleotide variant.
Coding change: c.73G>A on transcript NM_001323289.2 (MANE Select); coding-DNA position 73, G replaced by A.
Protein change: p.Gly25Arg; replaces glycine 25 with arginine.
Molecular consequence: missense variant.
Genome position (GRCh38, 1-based): chrX:18,510,828, G>A. VCF-style: chrX-18510828-G-A. GRCh37 (hg19) VCF-style: chrX-18528948-G-A.
Other names: p.G25R:GGA>AGA; c.73G>A, p.Gly25Arg (NM_001037343.2, NM_003159.3); short protein forms G25R.
Identifiers: ClinVar variation 156659 (VCV000156659.2), dbSNP rs587783130, ClinGen allele CA294694.